The following is an entry in ClinVar:

ClinVar aggregate classification (germline): Uncertain significance (1 of 4 stars; one submission).

Conditions:
Neuronal ceroid lipofuscinosis. Also called: Neuronal Ceroid Lipofuscinoses. Identifiers: Orphanet 216, Orphanet 79263, MedGen C0027877, MONDO:0016295. Disease mechanism: loss of function.

Allele frequency attached by ClinVar (database versions not stated): TOPMed 0.00001.

Submission:

Labcorp Genetics (formerly Invitae), Labcorp
Classification: Uncertain significance for Neuronal ceroid lipofuscinosis. Last evaluated: 2021-08-31. Review status: criteria provided, single submitter. Criteria: Invitae Variant Classification Sherloc (09022015). Collection method: clinical testing. Allele origin: germline.
Comment: This sequence change replaces valine with leucine at codon 175 of the CLN8 protein (p.Val175Leu). The valine residue is weakly conserved and there is a small physicochemical difference between valine and leucine. This variant is not present in population databases (ExAC no frequency). This variant has not been reported in the literature in individuals affected with CLN8-related conditions. Algorithms developed to predict the effect of missense changes on protein structure and function (SIFT, PolyPhen-2, Align-GVGD) all suggest that this variant is likely to be tolerated. In summary, the available evidence is currently insufficient to determine the role of this variant in disease. Therefore, it has been classified as a Variant of Uncertain Significance.

NM_018941.4(CLN8):c.523G>C (p.Val175Leu)

Gene: CLN8 (CLN8 transmembrane ER and ERGIC protein; plus strand). Cytogenetic location: 8p23.3.
Variant type: single nucleotide variant.
Coding change: c.523G>C on transcript NM_018941.4 (MANE Select); coding-DNA position 523, G replaced by C.
Protein change: p.Val175Leu; replaces valine 175 with leucine.
Molecular consequence: missense variant.
Genome position (GRCh38, 1-based): chr8:1,771,577, G>C. VCF-style: chr8-1771577-G-C. GRCh37 (hg19) VCF-style: chr8-1719743-G-C.
Other names: short protein forms V175L.
Identifiers: ClinVar variation 848477 (VCV000848477.4), dbSNP rs768139689, ClinGen allele CA170445817.